The following is an entry in ClinVar:

ClinVar aggregate classification (germline): Likely benign. Review status: criteria provided, multiple submitters, no conflicts (2 of 4 stars). 4 submissions from 4 submitters: Likely benign (4). Last evaluated 2024-10-17.

Conditions:
MLPH-related disorder. Also called: MLPH-related condition.

Allele frequency attached by ClinVar (database versions not stated): gnomAD exomes 0.00052; ExAC 0.00058; gnomAD 0.00144 and 0.00151; TOPMed 0.00181; 1000 Genomes Project 0.00280; 1000 Genomes Project 30x 0.00312.
gnomAD v4.1: 559 of 1,613,576 alleles (0.035%); highest among the groups gnomAD compares: African/African-American, 0.57%; 1 homozygote.

Submissions (4):

PreventionGenetics, part of Exact Sciences
Classification: Likely benign for MLPH-related condition. Last evaluated: 2024-10-17. Review status: criteria provided, single submitter. Criteria: ACMG Guidelines, 2015. Collection method: clinical testing. Allele origin: germline.
Comment: This variant is classified as likely benign based on ACMG/AMP sequence variant interpretation guidelines (Richards et al. 2015 PMID: 25741868, with internal and published modifications).

Blueprint Genetics
Classification: Likely benign. Last evaluated: 2024-09-13. Review status: criteria provided, single submitter. Criteria: ACMG Guidelines, 2015. Collection method: clinical testing. Allele origin: germline.

Labcorp Genetics (formerly Invitae), Labcorp
Classification: Likely benign. Last evaluated: 2019-12-31. Review status: criteria provided, single submitter. Criteria: Invitae Variant Classification Sherloc (09022015). Collection method: clinical testing. Allele origin: germline.

Breakthrough Genomics
Classification: Likely benign. Review status: criteria provided, single submitter. Criteria: ACMG Guidelines, 2015. Collection method: not provided. Allele origin: germline. Inheritance: Autosomal recessive inheritance. Affected: yes.

NM_024101.7(MLPH):c.1171G>A (p.Glu391Lys)

Gene: MLPH (melanophilin; plus strand). Cytogenetic location: 2q37.3.
Variant type: single nucleotide variant.
Coding change: c.1171G>A on transcript NM_024101.7 (MANE Select); coding-DNA position 1171, G replaced by A.
Protein change: p.Glu391Lys; replaces glutamic acid 391 with lysine.
Molecular consequence: missense variant. On other transcripts: non-coding transcript variant (1).
Genome position (GRCh38, 1-based): chr2:237,540,414, G>A. VCF-style: chr2-237540414-G-A. GRCh37 (hg19) VCF-style: chr2-238449057-G-A.
Other names: c.1087G>A, p.Glu363Lys (NM_001042467.3); c.967G>A, p.Glu323Lys (NM_001281473.2); c.742G>A, p.Glu248Lys (NM_001281474.2); short protein forms E323K, E391K, E248K, E363K.
Identifiers: ClinVar variation 780368 (VCV000780368.7), dbSNP rs144852340, ClinGen allele CA2190512.
Genomic context (GRCh38, chr2:237,540,414, plus strand): 5'-GGTGCTGGAGTGCGCACGGAGGCCGATGTAGAGGAGGAGGCCCTGAGGAGGAAGCTGGAG[G>A]AGCTGACCAGCAACGTCAGTGACCAGGAGACCTCGTCCGAGGAGGAGGAAGCCAAGGACG-3'
Protein context (NP_077006.1, residues 381-401): EEEALRRKLE[Glu391Lys]LTSNVSDQET